The following is an entry in ClinVar:

NM_144643.4(SCLT1):c.1129del (p.Thr376_Ile377insTer)

Gene: SCLT1 (sodium channel and clathrin linker 1; minus strand). Cytogenetic location: 4q28.2.
Variant type: Deletion.
Coding change: c.1129del on transcript NM_144643.4 (MANE Select); coding-DNA position 1129, one base deleted (A; older notation c.1129delA).
Protein change: p.Thr376_Ile377insTer.
Molecular consequence: nonsense.
Genome position (GRCh38, 1-based): chr4:128,957,043, T deleted on the plus strand (A on the coding strand, the reverse complement: SCLT1 is on the minus strand). VCF-style (leftmost placement, unchanged base first): chr4-128957042-AT-A. GRCh37 (hg19) VCF-style: chr4-129878197-AT-A.
Other names: c.1129del, p.Thr376_Ile377insTer (NM_001410807.1).
Identifiers: ClinVar variation 4989430 (VCV004989430.1).

ClinVar aggregate classification (germline): Likely pathogenic (1 of 4 stars; one submission).

Conditions:
SCLT1-related disorder. Also called: SCLT1-related condition.

Submission:

PreventionGenetics, part of Exact Sciences
Classification: Likely pathogenic for SCLT1-related condition. Last evaluated: 2026-07-08. Review status: criteria provided, single submitter. Criteria: ACMG Guidelines, 2015. Collection method: clinical testing. Allele origin: germline.
Comment: The SCLT1 c.1129delA variant is predicted to result in premature protein termination (p.Ile377*). To our knowledge, this variant has not been reported in the literature or in a large population database (gnomAD), indicating this variant is rare. Loss of function variants have been associated with autosomal recessive ciliopathy disorders (Table S1, Petzold et al. 2023. PubMed ID: 37230223). This variant is interpreted as likely pathogenic.